The following is an entry in ClinVar:

NM_005629.4(SLC6A8):c.778-2A>G

Gene: SLC6A8 (solute carrier family 6 member 8; plus strand). Cytogenetic location: Xq28.
Variant type: single nucleotide variant.
Coding change: c.778-2A>G on transcript NM_005629.4 (MANE Select); the canonical splice acceptor site of the intron before coding-DNA position 778, A replaced by G.
Molecular consequence: splice acceptor variant.
Genome position (GRCh38, 1-based): chrX:153,693,039, A>G. VCF-style: chrX-153693039-A-G. GRCh37 (hg19) VCF-style: chrX-152958494-A-G.
Other names: NM_001142805.2:c.778-2A>G; c.778-2A>G (NM_001142805.2); c.433-2A>G (NM_001142806.1).
Identifiers: ClinVar variation 3066444 (VCV003066444.1), dbSNP rs2522161767, ClinGen allele CA415083128.

ClinVar aggregate classification (germline): Likely pathogenic (3 of 4 stars; one submission).

Conditions:
Creatine transporter deficiency (CCDS1). Also called: Mental retardation , X-linked with seizures, short stature and midface hypoplasia; Mental retardation , X-linked, with creatine transport deficiency; X-linked creatine transporter deficiency; X-linked creatine deficiency syndrome; SLC6A8-Related Creatine Transporter Deficiency; CREATINE TRANSPORTER DEFECT. Identifiers: Orphanet 52503, MedGen C1845862, MONDO:0010305, OMIM 300352.

Submission:

ClinGen Cerebral Creatine Deficiency Syndromes Variant Curation Expert Panel, ClinGen
Classification: Likely pathogenic for Creatine transporter deficiency. Last evaluated: 2024-02-22. Review status: reviewed by expert panel. Criteria: ClinGen_CCDS_ACMG_Specifications_SLC6A8_v1.1. Collection method: curation. Allele origin: germline. Inheritance: X-linked inheritance.
Comment: The NM:_005629.3:c.778-2A>G variant alters acceptor splice site of intron 4 and is predicted to result in skipping of exon 5 with in frame loss of 45 amino acids (less than 10% of protein) (PVS1_moderate). This variant has been reported two unrelated males with intellectual disability, language delay, epilepsy, elevated urine creatine/creatinine ratio and a reduced creatine peak on brain MRS (PMID: 20717164, 37305710) (PP4_strong, PS4_supporting). Their mother was heterozygous for the same variant but her phenotypic and biochemical details were not provided (PMID: 20717164) (PP1 not met). The variant is absent in gnomAD v2.1.1. (PM2_supporting). In summary, this variant meets the criteria to be classified as likely pathogenic for creatine transporter deficiency. SLC6A8-specific criteria met, as specified by the ClinGen CCDS VCEP (Specifications Version 1.1.0): PVS1_moderate, PP4_strong, PM2_supporting, PS4_supporting. (Classification approved by the ClinGen Cerebral Creatine Deficiency Syndromes Variant Curation Expert Panel on Fabruary 22, 2024).